The following is an entry in ClinVar:

NM_002788.4(PSMA3):c.228+7T>A

Gene: PSMA3 (proteasome 20S subunit alpha 3; plus strand). Cytogenetic location: 14q23.1.
Variant type: single nucleotide variant.
Coding change: c.228+7T>A on transcript NM_002788.4 (MANE Select); 7 bases into the intron after coding-DNA position 228, T replaced by A.
Molecular consequence: intron variant.
Genome position (GRCh38, 1-based): chr14:58,252,249, T>A. VCF-style: chr14-58252249-T-A. GRCh37 (hg19) VCF-style: chr14-58718967-T-A.
Other names: c.228+7T>A (NM_152132.3).
Identifiers: ClinVar variation 2149765 (VCV002149765.5), dbSNP rs1379743634, ClinGen allele CA614340910.
Genomic context (GRCh38, chr14:58,252,249, plus strand): 5'-TATGAAGAAGGTTCCAACAAAAGACTTTTTAATGTTGATCGGCATGTTGGAATGGTAAGG[T>A]CATGTTTAAAATGTTCCTTTTTGTCTTGTCCAATTTCTTTTGAAGTAACTGATTGGAATA-3'

ClinVar aggregate classification (germline): Likely benign. Review status: criteria provided, multiple submitters, no conflicts (2 of 4 stars). 2 submissions from 2 submitters: Likely benign (2). Last evaluated 2026-02-03.

Allele frequency attached by ClinVar (database versions not stated): gnomAD exomes below 0.00001; gnomAD 0.00001; TOPMed 0.00002.
gnomAD v4.1: 4 of 1,603,860 alleles (0.00025%); highest among the groups gnomAD compares: Admixed American, 0.0018%; no homozygotes.

Submissions (2):

Women's Health and Genetics/Laboratory Corporation of America, LabCorp
Classification: Likely benign. Last evaluated: 2026-02-03. Review status: criteria provided, single submitter. Criteria: LabCorp Variant Classification Summary - May 2015. Collection method: clinical testing. Allele origin: germline.
Comment: Variant summary: PSMA3 c.228+7T>A alters a nucleotide located at a position not widely known to affect splicing. Consensus agreement among computation tools predicts no significant impact on normal splicing. However, these predictions have yet to be confirmed by functional studies. The variant allele was found at a frequency of 4.1e-06 in 241592 control chromosomes (gnomAD). The available data on variant occurrences in the general population are insufficient to allow any conclusion about variant significance. To our knowledge, no occurrence of c.228+7T>A in individuals affected with PSMA3-related conditions and no experimental evidence demonstrating its impact on protein function have been reported. ClinVar contains an entry for this variant (Variation ID: 2149765). Based on the evidence outlined above, the variant was classified as likely benign.

Labcorp Genetics (formerly Invitae), Labcorp
Classification: Likely benign. Last evaluated: 2025-02-11. Review status: criteria provided, single submitter. Criteria: Invitae Variant Classification Sherloc (09022015). Collection method: clinical testing. Allele origin: germline.